The following is an entry in ClinVar:

ClinVar aggregate classification (germline): Uncertain significance (1 of 4 stars; one submission).

Submission:

Labcorp Genetics (formerly Invitae), Labcorp
Classification: Uncertain significance. Last evaluated: 2021-10-08. Review status: criteria provided, single submitter. Criteria: Invitae Variant Classification Sherloc (09022015). Collection method: clinical testing. Allele origin: germline.
Comment: This variant has not been reported in the literature in individuals affected with TTC37-related conditions. In summary, the available evidence is currently insufficient to determine the role of this variant in disease. Therefore, it has been classified as a Variant of Uncertain Significance. Algorithms developed to predict the effect of missense changes on protein structure and function (SIFT, PolyPhen-2, Align-GVGD) all suggest that this variant is likely to be tolerated. This variant is not present in population databases (ExAC no frequency). This sequence change replaces valine with phenylalanine at codon 1362 of the TTC37 protein (p.Val1362Phe). The valine residue is moderately conserved and there is a small physicochemical difference between valine and phenylalanine.

NM_014639.4(SKIC3):c.4084G>T (p.Val1362Phe)

Gene: SKIC3 (SKI3 subunit of superkiller complex; minus strand). Cytogenetic location: 5q15.
Variant type: single nucleotide variant.
Coding change: c.4084G>T on transcript NM_014639.4 (MANE Select); coding-DNA position 4084, G replaced by T.
Protein change: p.Val1362Phe; replaces valine 1362 with phenylalanine.
Molecular consequence: missense variant.
Genome position (GRCh38, 1-based): chr5:95,482,601, C>A on the plus strand (G>T on the coding strand, the complement: SKIC3 is on the minus strand). VCF-style: chr5-95482601-C-A. GRCh37 (hg19) VCF-style: chr5-94818305-C-A.
Other names: short protein forms V1362F.
Identifiers: ClinVar variation 1480125 (VCV001480125.6), dbSNP rs533981318, ClinGen allele CA360444463.
Genomic context (GRCh38, chr5:95,482,601, plus strand): 5'-GGAGTGGCTTTTGTGACTCCAGGAGTGGTTTACACTGAACTTGTCTCAAAAGTAAGATAA[C>A]GGCTGGCTGATCAGGGTTACTTTTTAAATTCTAGAAATCAAATCCCAAAGAGGAACACAT-3'
Protein context (NP_055454.1, residues 1352-1372): NLKSNPDQPA[Val1362Phe]ILLLRQVQCK